The following is an entry in ClinVar:

NM_001042492.3(NF1):c.1641+5G>C

Gene: NF1 (neurofibromin 1; plus strand). Cytogenetic location: 17q11.2.
Variant type: single nucleotide variant.
Coding change: c.1641+5G>C on transcript NM_001042492.3 (MANE Select); 5 bases into the intron after coding-DNA position 1641, G replaced by C.
Molecular consequence: intron variant.
Genome position (GRCh38, 1-based): chr17:31,219,123, G>C. VCF-style: chr17-31219123-G-C. GRCh37 (hg19) VCF-style: chr17-29546141-G-C.
Other names: c.1641+5G>C (NM_000267.4, NM_001128147.3).
Identifiers: ClinVar variation 951144 (VCV000951144.6), dbSNP rs2066878047, ClinGen allele CA1139665407.
Genomic context (GRCh38, chr17:31,219,123, plus strand): 5'-TCGTCCAACTGGTCCCTCAGTCACACATGCCAGAGATTGCTCAGGAAGCAATGGAGGTAA[G>C]GGGAAAATGAATTCCATGTTCTTGAAGGAAAGATTGTAACTATGTACATTCATGATGTTC-3'

ClinVar aggregate classification (germline): Uncertain significance (1 of 4 stars; one submission).

Conditions:
Neurofibromatosis, type 1 (NF1). Also called: VON RECKLINGHAUSEN DISEASE; NEUROFIBROMATOSIS, TYPE I, SOMATIC; Peripheral type neurofibromatosis; Neurofibromatosis, type I. Identifiers: Orphanet 636, MedGen C0027831, MONDO:0018975, OMIM 162200. Disease mechanism: loss of function.

Allele frequency attached by ClinVar (database versions not stated): gnomAD exomes below 0.00001.
gnomAD v4.1: 1 of 1,612,006 alleles (0.000062%); highest among the groups gnomAD compares: Non-Finnish European, 0.000085%; no homozygotes.

Submission:

Labcorp Genetics (formerly Invitae), Labcorp
Classification: Uncertain significance for Neurofibromatosis, type 1. Last evaluated: 2024-04-29. Review status: criteria provided, single submitter. Criteria: Invitae Variant Classification Sherloc (09022015). Collection method: clinical testing. Allele origin: germline.
Comment: This sequence change falls in intron 14 of the NF1 gene. It does not directly change the encoded amino acid sequence of the NF1 protein. It affects a nucleotide within the consensus splice site. This variant is not present in population databases (gnomAD no frequency). This variant has not been reported in the literature in individuals affected with NF1-related conditions. ClinVar contains an entry for this variant (Variation ID: 951144). Variants that disrupt the consensus splice site are a relatively common cause of aberrant splicing (PMID: 17576681, 9536098). Algorithms developed to predict the effect of sequence changes on RNA splicing suggest that this variant is not likely to affect RNA splicing. In summary, the available evidence is currently insufficient to determine the role of this variant in disease. Therefore, it has been classified as a Variant of Uncertain Significance.

Literature cited by the submitters: PubMed 17576681; PubMed 9536098.